The following is an entry in ClinVar:

NM_000310.4(PPT1):c.125-3T>C

Gene: PPT1 (palmitoyl-protein thioesterase 1; minus strand). Cytogenetic location: 1p34.2.
Variant type: single nucleotide variant.
Coding change: c.125-3T>C on transcript NM_000310.4 (MANE Select); 3 bases into the intron before coding-DNA position 125, T replaced by C.
Molecular consequence: intron variant.
Genome position (GRCh38, 1-based): chr1:40,092,510, A>G on the plus strand (T>C on the coding strand, the complement: PPT1 is on the minus strand). VCF-style: chr1-40092510-A-G. GRCh37 (hg19) VCF-style: chr1-40558182-A-G.
Other names: c.125-2998T>C (NM_001142604.2); c.125-3T>C (NM_001363695.2).
Identifiers: ClinVar variation 2112493 (VCV002112493.4), dbSNP rs2523690520, ClinGen allele CA2580062738.

ClinVar aggregate classification (germline): Uncertain significance (1 of 4 stars; one submission).

Conditions:
Neuronal ceroid lipofuscinosis 1 (CLN1). Also called: PPT1-Related Neuronal Ceroid-Lipofuscinosis; CEROID LIPOFUSCINOSIS, NEURONAL, 1, VARIABLE AGE AT ONSET. Identifiers: Orphanet 228329, MedGen C1850451, MONDO:0009744, OMIM 256730.

Allele frequency attached by ClinVar (database versions not stated): gnomAD exomes below 0.00001.
gnomAD v4.1: 1 of 1,600,020 alleles (0.000062%); highest among the groups gnomAD compares: Non-Finnish European, 0.000086%; no homozygotes.

Submission:

Labcorp Genetics (formerly Invitae), Labcorp
Classification: Uncertain significance for Neuronal ceroid lipofuscinosis 1. Last evaluated: 2022-03-15. Review status: criteria provided, single submitter. Criteria: Invitae Variant Classification Sherloc (09022015). Collection method: clinical testing. Allele origin: germline.
Comment: In summary, the available evidence is currently insufficient to determine the role of this variant in disease. Therefore, it has been classified as a Variant of Uncertain Significance. Variants that disrupt the consensus splice site are a relatively common cause of aberrant splicing (PMID: 17576681, 9536098). Algorithms developed to predict the effect of sequence changes on RNA splicing suggest that this variant is not likely to affect RNA splicing. This variant has not been reported in the literature in individuals affected with PPT1-related conditions. This variant is not present in population databases (gnomAD no frequency). This sequence change falls in intron 1 of the PPT1 gene. It does not directly change the encoded amino acid sequence of the PPT1 protein. It affects a nucleotide within the consensus splice site.

Literature cited by the submitters: PubMed 17576681; PubMed 9536098.